The following is an entry in ClinVar:

ClinVar aggregate classification (germline): Uncertain significance (1 of 4 stars; one submission).

Submission:

GeneDx
Classification: Uncertain significance. Last evaluated: 2025-06-14. Review status: criteria provided, single submitter. Criteria: GeneDx Variant Classification Process June 2021. Collection method: clinical testing. Allele origin: germline. Affected: yes.
Comment: Not observed at significant frequency in large population cohorts (gnomAD); In-frame deletion of 3 amino acid(s) and insertion of 1 different amino acid(s) in a non-repeat region; In silico analysis suggests that this variant does not alter protein structure/function; Has not been previously published as pathogenic or benign to our knowledge

NM_000256.3(MYBPC3):c.1444_1451delinsCG (p.Ala482_Val484delinsArg)

Gene: MYBPC3 (myosin binding protein C3; minus strand). Cytogenetic location: 11p11.2.
Variant type: Indel.
Coding change: c.1444_1451delinsCG on transcript NM_000256.3 (MANE Select); coding-DNA positions 1444 to 1451, GCGCAAGT replaced by CG.
Protein change: p.Ala482_Val484delinsArg.
Molecular consequence: inframe indel.
Genome position (GRCh38, 1-based): chr11:47,342,836-47,342,843, ACTTGCGC replaced by CG on the plus strand (GCGCAAGT replaced by CG on the coding strand, the reverse complement: MYBPC3 is on the minus strand). VCF-style: chr11-47342836-ACTTGCGC-CG. GRCh37 (hg19) VCF-style: chr11-47364387-ACTTGCGC-CG.
Identifiers: ClinVar variation 4537828 (VCV004537828.1).